The following is an entry in ClinVar:

ClinVar aggregate classification (germline): Pathogenic/Likely pathogenic. Review status: criteria provided, multiple submitters, no conflicts (2 of 4 stars). 2 submissions from 2 submitters: Pathogenic (1); Likely pathogenic (1). Last evaluated 2026-06-09.

Conditions:
Microphthalmia. Also called: Microphthalmos. Identifiers: MedGen C0026010, MONDO:0021129, HP:0000568.
Microphthalmia, isolated, with coloboma 3 (MCOPCB3). Also called: MICROPHTHALMIA/COLOBOMA 3; MICROPHTHALMIA, COLOBOMATOUS, 3. Identifiers: Orphanet 98938, MedGen C1864721, MONDO:0012408, OMIM 610092.

Submissions (2):

Myriad Genetics, Inc.
Classification: Pathogenic for Microphthalmia, isolated, with coloboma 3. Last evaluated: 2026-06-09. Review status: criteria provided, single submitter. Criteria: Myriad Autosomal Dominant, Autosomal Recessive and X-Linked Classification Criteria (2023). Collection method: clinical testing. Allele origin: unknown.
Comment: NM_182894.2(VSX2):c.4_6delACGinsCC(T2Pfs*8) is a frameshift variant classified as pathogenic in the context of microphthalmia, anophthalmia, and coloboma, VSX2-related. T2Pfs*8 has not been observed in cases with relevant disease. Relevant functional assessments of this variant are not available in the literature. T2Pfs*8 has not been observed in referenced population frequency databases. In summary, NM_182894.2(VSX2):c.4_6delACGinsCC(T2Pfs*8) is a frameshift variant in a gene where loss of function is a known mechanism of disease and is predicted to disrupt protein function. Please note: this variant was assessed in the context of healthy population screening.

Natera, Inc.
Classification: Likely pathogenic for Microphthalmia. Last evaluated: 2024-04-12. Review status: criteria provided, single submitter. Criteria: Natera Variant Classification Schema (03/2026). Collection method: clinical testing. Allele origin: germline.
Comment: The c.4_6delACGinsCC variant in VSX2 is a frameshift variant predicted to shift the reading frame beginning at codon 2 and leads to a stop codon 8 codons downstream. This variant is expected to result in nonsense mediated decay, truncation, or a dysfunctional protein product. This variant is rare in the general population with a frequency below the threshold expected for the associated phenotype(s). Given the available evidence, this variant is classified as Likely Pathogenic.

NM_182894.3(VSX2):c.4_6delinsCC (p.Thr2fs)

Gene: VSX2 (visual system homeobox 2; plus strand). Cytogenetic location: 14q24.3.
Variant type: Indel.
Coding change: c.4_6delinsCC on transcript NM_182894.3 (MANE Select); coding-DNA positions 4 to 6, ACG replaced by CC.
Protein change: p.Thr2fs; shifts the reading frame from threonine 2.
Molecular consequence: frameshift variant.
Genome position (GRCh38, 1-based): chr14:74,239,565-74,239,567, ACG replaced by CC. VCF-style: chr14-74239565-ACG-CC. GRCh37 (hg19) VCF-style: chr14-74706268-ACG-CC.
Other names: short protein forms T2fs.
Identifiers: ClinVar variation 4817011 (VCV004817011.2).